The following is an entry in ClinVar:

ClinVar aggregate classification (germline): Uncertain significance (1 of 4 stars; one submission).

Allele frequency attached by ClinVar (database versions not stated): gnomAD exomes 0.00001.
gnomAD v4.1: 11 of 1,614,200 alleles (0.00068%); highest among the groups gnomAD compares: Non-Finnish European, 0.00093%; no homozygotes.

Submission:

Labcorp Genetics (formerly Invitae), Labcorp
Classification: Uncertain significance. Last evaluated: 2021-04-23. Review status: criteria provided, single submitter. Criteria: Invitae Variant Classification Sherloc (09022015). Collection method: clinical testing. Allele origin: germline.
Comment: In summary, the available evidence is currently insufficient to determine the role of this variant in disease. Therefore, it has been classified as a Variant of Uncertain Significance. This sequence change replaces methionine with threonine at codon 625 of the C1S protein (p.Met625Thr). The methionine residue is weakly conserved and there is a moderate physicochemical difference between methionine and threonine. This variant is not present in population databases (ExAC no frequency). This variant has not been reported in the literature in individuals with C1S-related conditions. Algorithms developed to predict the effect of missense changes on protein structure and function are either unavailable or do not agree on the potential impact of this missense change (SIFT: "Deleterious"; PolyPhen-2: "Benign"; Align-GVGD: "Class C25").

NM_001734.5(C1S):c.1874T>C (p.Met625Thr)

Gene: C1S (complement C1s; plus strand). Cytogenetic location: 12p13.31.
Variant type: single nucleotide variant.
Coding change: c.1874T>C on transcript NM_001734.5 (MANE Select); coding-DNA position 1874, T replaced by C.
Protein change: p.Met625Thr; replaces methionine 625 with threonine.
Molecular consequence: missense variant.
Genome position (GRCh38, 1-based): chr12:7,070,458, T>C. VCF-style: chr12-7070458-T-C. GRCh37 (hg19) VCF-style: chr12-7177762-T-C.
Other names: c.1373T>C, p.Met458Thr (NM_001346850.2); c.1874T>C, p.Met625Thr (NM_201442.4); short protein forms M625T, M458T.
Identifiers: ClinVar variation 1465320 (VCV001465320.8), dbSNP rs2135730777, ClinGen allele CA383707694.